The following is an entry in ClinVar:

ClinVar aggregate classification (germline): Uncertain significance. Review status: criteria provided, multiple submitters, no conflicts (2 of 4 stars). 2 submissions from 2 submitters: Uncertain significance (2). Last evaluated 2023-12-07.

Conditions:
Inborn genetic diseases. Identifiers: MedGen C0950123, MeSH D030342.

gnomAD v4.1: 3 of 1,530,128 alleles (0.0002%); highest among the groups gnomAD compares: Non-Finnish European, 0.00026%; no homozygotes.

Submissions (2):

Ambry Genetics
Classification: Uncertain significance for Inborn genetic diseases. Last evaluated: 2023-12-07. Review status: criteria provided, single submitter. Criteria: Ambry Variant Classification Scheme 2023. Collection method: clinical testing. Allele origin: germline.

Labcorp Genetics (formerly Invitae), Labcorp
Classification: Uncertain significance. Last evaluated: 2022-04-08. Review status: criteria provided, single submitter. Criteria: Invitae Variant Classification Sherloc (09022015). Collection method: clinical testing. Allele origin: germline.
Comment: In summary, the available evidence is currently insufficient to determine the role of this variant in disease. Therefore, it has been classified as a Variant of Uncertain Significance. Experimental studies and prediction algorithms are not available or were not evaluated, and the functional significance of this variant is currently unknown. This variant has not been reported in the literature in individuals affected with MAGEL2-related conditions. This variant is not present in population databases (gnomAD no frequency). This sequence change replaces alanine, which is neutral and non-polar, with serine, which is neutral and polar, at codon 210 of the MAGEL2 protein (p.Ala210Ser).

NM_019066.5(MAGEL2):c.628G>T (p.Ala210Ser)

Gene: MAGEL2 (MAGE family member L2; minus strand). Cytogenetic location: 15q11.2.
Variant type: single nucleotide variant.
Coding change: c.628G>T on transcript NM_019066.5 (MANE Select); coding-DNA position 628, G replaced by T.
Protein change: p.Ala210Ser; replaces alanine 210 with serine.
Molecular consequence: missense variant.
Genome position (GRCh38, 1-based): chr15:23,647,115, C>A on the plus strand (G>T on the coding strand, the complement: MAGEL2 is on the minus strand). VCF-style: chr15-23647115-C-A. GRCh37 (hg19) VCF-style: chr15-23892262-C-A.
Other names: c.628G>T (NM_019066.4); short protein forms A210S.
Identifiers: ClinVar variation 1967429 (VCV001967429.6), dbSNP rs1890430574, ClinGen allele CA391336841.